The following is an entry in ClinVar:

ClinVar aggregate classification (germline): Uncertain significance (1 of 4 stars; one submission).

Conditions:
Smith-Lemli-Opitz syndrome (SLOS). Also called: LETHAL ACRODYSGENITAL SYNDROME; POLYDACTYLY, SEX REVERSAL, RENAL HYPOPLASIA, AND UNILOBAR LUNG; RSH SYNDROME; RUTLEDGE LETHAL MULTIPLE CONGENITAL ANOMALY SYNDROME; 7-Dehydrocholesterol reductase deficiency. Identifiers: Orphanet 818, MedGen C0175694, MONDO:0010035, OMIM 270400.

Allele frequency attached by ClinVar (database versions not stated): gnomAD exomes below 0.00001.
gnomAD v4.1: 5 of 1,612,734 alleles (0.00031%); highest among the groups gnomAD compares: Non-Finnish European, 0.00042%; no homozygotes.

Submission:

Labcorp Genetics (formerly Invitae), Labcorp
Classification: Uncertain significance for Smith-Lemli-Opitz syndrome. Last evaluated: 2022-09-07. Review status: criteria provided, single submitter. Criteria: Invitae Variant Classification Sherloc (09022015). Collection method: clinical testing. Allele origin: germline.
Comment: This variant has not been reported in the literature in individuals affected with DHCR7-related conditions. In summary, the available evidence is currently insufficient to determine the role of this variant in disease. Therefore, it has been classified as a Variant of Uncertain Significance. Advanced modeling of protein sequence and biophysical properties (such as structural, functional, and spatial information, amino acid conservation, physicochemical variation, residue mobility, and thermodynamic stability) performed at Invitae indicates that this missense variant is expected to disrupt DHCR7 protein function. This variant is not present in population databases (gnomAD no frequency). This sequence change replaces tyrosine, which is neutral and polar, with cysteine, which is neutral and slightly polar, at codon 100 of the DHCR7 protein (p.Tyr100Cys).

NM_001360.3(DHCR7):c.299A>G (p.Tyr100Cys)

Gene: DHCR7 (7-dehydrocholesterol reductase; minus strand). Cytogenetic location: 11q13.4.
Variant type: single nucleotide variant.
Coding change: c.299A>G on transcript NM_001360.3 (MANE Select); coding-DNA position 299, A replaced by G.
Protein change: p.Tyr100Cys; replaces tyrosine 100 with cysteine.
Molecular consequence: missense variant.
Genome position (GRCh38, 1-based): chr11:71,444,015, T>C on the plus strand (A>G on the coding strand, the complement: DHCR7 is on the minus strand). VCF-style: chr11-71444015-T-C. GRCh37 (hg19) VCF-style: chr11-71155061-T-C.
Other names: c.299A>G, p.Tyr100Cys (NM_001163817.2); short protein forms Y100C.
Identifiers: ClinVar variation 2105382 (VCV002105382.4), dbSNP rs2539235935, ClinGen allele CA381695973.